The following is an entry in ClinVar:

ClinVar aggregate classification (germline): Pathogenic (1 of 4 stars; one submission).

Conditions:
Glycogen storage disease, type IV (GSD4). Also called: AMYLOPECTINOSIS; ANDERSEN DISEASE; BRANCHER DEFICIENCY; CIRRHOSIS, FAMILIAL, WITH DEPOSITION OF ABNORMAL GLYCOGEN; GBE1 DEFICIENCY; GLYCOGEN BRANCHING ENZYME DEFICIENCY. Identifiers: Orphanet 367, MedGen C0017923, MONDO:0009292, OMIM 232500.

Submission:

Myriad Genetics, Inc.
Classification: Pathogenic for Glycogen storage disease, type IV. Last evaluated: 2023-08-30. Review status: criteria provided, single submitter. Criteria: Myriad Autosomal Dominant, Autosomal Recessive and X-Linked Classification Criteria (2023). Collection method: clinical testing. Allele origin: unknown.
Comment: NM_000158.3(GBE1):c.256_257delTT(L86Ifs*19) is expected to be pathogenic in the context of glycogen storage disease, GBE1-related. This variant is predicted to lead to an abnormal or absent protein product due to the creation of a premature termination codon in GBE1, a gene where loss-of-function variants are known to be pathogenic. Please note: this variant was assessed in the context of healthy population screening.

NM_000158.4(GBE1):c.256_257del (p.Leu86fs)

Gene: GBE1 (1,4-alpha-glucan branching enzyme 1; minus strand). Cytogenetic location: 3p12.2.
Variant type: Deletion.
Coding change: c.256_257del on transcript NM_000158.4 (MANE Select); coding-DNA positions 256 to 257, 2 bases deleted (TT; older notation c.256_257delTT).
Protein change: p.Leu86fs; shifts the reading frame from leucine 86.
Molecular consequence: frameshift variant.
Genome position (GRCh38, 1-based): chr3:81,705,500-81,705,501, AA deleted on the plus strand (TT on the coding strand, the reverse complement: GBE1 is on the minus strand); deleting any 2 consecutive bases within chr3:81,705,500-81,705,502 gives the same sequence; the c. name uses the placement nearest the transcript's 3' end. VCF-style (leftmost placement, unchanged base first): chr3-81705499-TAA-T. GRCh37 (hg19) VCF-style: chr3-81754650-TAA-T.
Other names: short protein forms L86fs.
Identifiers: ClinVar variation 5011492 (VCV005011492.1).
Genomic context (GRCh38, chr3:81,705,499, plus strand): 5'-CTTACTAAAATCTCCAGTAAGAAAAACTCCTTCTGCTCCCGGGGCCCATTCTTTGCAGTA[TAA>T]ACCACCATCAGCACATCTGTGGACGCCAAATGATTCATAGCCTCTGGAAAACTTATCAAT-3'